The following is an entry in ClinVar:

NM_001972.4(ELANE):c.751G>T (p.Asp251Tyr)

Gene: ELANE (elastase, neutrophil expressed; plus strand). Cytogenetic location: 19p13.3.
Variant type: single nucleotide variant.
Coding change: c.751G>T on transcript NM_001972.4 (MANE Select); coding-DNA position 751, G replaced by T.
Protein change: p.Asp251Tyr; replaces aspartic acid 251 with tyrosine.
Molecular consequence: missense variant.
Genome position (GRCh38, 1-based): chr19:856,111, G>T. VCF-style: chr19-856111-G-T. GRCh37 (hg19) VCF-style: chr19-856111-G-T.
Other names: short protein forms D251Y.
Identifiers: ClinVar variation 2926530 (VCV002926530.3), dbSNP rs2512169501, ClinGen allele CA402919401.

ClinVar aggregate classification (germline): Uncertain significance (1 of 4 stars; one submission).

Conditions:
Neutropenia, severe congenital, 1, autosomal dominant. Identifiers: MedGen C1859966, MONDO:0042490, OMIM 202700.
Cyclical neutropenia. Also called: Cyclic Neutropenia; Cyclic hematopoiesis. Identifiers: Orphanet 2686, MedGen C0221023, MONDO:0008090, OMIM 162800, HP:0040289. Disease mechanism: loss of function.

Allele frequency attached by ClinVar (database versions not stated): gnomAD exomes 0.00001.
gnomAD v4.1: 8 of 1,613,066 alleles (0.0005%); highest among the groups gnomAD compares: Non-Finnish European, 0.00068%; no homozygotes.

Submission:

Labcorp Genetics (formerly Invitae), Labcorp
Classification: Uncertain significance for Neutropenia, severe congenital, 1, autosomal dominant; Cyclical neutropenia. Last evaluated: 2025-11-09. Review status: criteria provided, single submitter. Criteria: Invitae Variant Classification Sherloc (09022015). Collection method: clinical testing. Allele origin: germline.
Comment: This sequence change replaces aspartic acid, which is acidic and polar, with tyrosine, which is neutral and polar, at codon 251 of the ELANE protein (p.Asp251Tyr). This variant is not present in population databases (gnomAD no frequency). This variant has not been reported in the literature in individuals affected with ELANE-related conditions. ClinVar contains an entry for this variant (Variation ID: 2926530). Invitae Evidence Modeling of protein sequence and biophysical properties (such as structural, functional, and spatial information, amino acid conservation, physicochemical variation, residue mobility, and thermodynamic stability) has been performed for this missense variant. However, the output from this modeling did not meet the statistical confidence thresholds required to predict the impact of this variant on ELANE protein function. In summary, the available evidence is currently insufficient to determine the role of this variant in disease. Therefore, it has been classified as a Variant of Uncertain Significance.